The following is an entry in ClinVar:

NM_031885.5(BBS2):c.2095C>T (p.Arg699Trp)

Gene: BBS2 (Bardet-Biedl syndrome 2; minus strand). Cytogenetic location: 16q13.
Variant type: single nucleotide variant.
Coding change: c.2095C>T on transcript NM_031885.5 (MANE Select); coding-DNA position 2095, C replaced by T.
Protein change: p.Arg699Trp; replaces arginine 699 with tryptophan.
Molecular consequence: missense variant. On other transcripts: non-coding transcript variant (5).
Genome position (GRCh38, 1-based): chr16:56,484,832, G>A on the plus strand (C>T on the coding strand, the complement: BBS2 is on the minus strand). VCF-style: chr16-56484832-G-A. GRCh37 (hg19) VCF-style: chr16-56518744-G-A.
Other names: c.2095C>T, p.Arg699Trp (NM_001377456.1); c.2095C>T (NM_031885.3); short protein forms R699W.
Identifiers: ClinVar variation 1487151 (VCV001487151.5), dbSNP rs1003841433, ClinGen allele CA281468915.

ClinVar aggregate classification (germline): Uncertain significance. Review status: criteria provided, multiple submitters, no conflicts (2 of 4 stars). 3 submissions from 3 submitters: Uncertain significance (3). Last evaluated 2026-05-04.

Conditions:
Retinitis pigmentosa 74 (RP74). Identifiers: Orphanet 791, MedGen C4225281, MONDO:0014692, OMIM 616562.
Bardet-Biedl syndrome 2 (BBS2). Identifiers: Orphanet 110, MedGen C2936863, MONDO:0014432, OMIM 615981.
BBS2-related disorder. Also called: BBS2-related condition; BBS2-related disorders. Identifiers: MedGen CN239228.
Bardet-Biedl syndrome (BBS). Identifiers: Orphanet 110, MedGen C0752166, MONDO:0015229.

Allele frequency attached by ClinVar (database versions not stated): gnomAD 0.00001; gnomAD exomes 0.00001; TOPMed 0.00002.
gnomAD v4.1: 15 of 1,613,852 alleles (0.00093%); highest among the groups gnomAD compares: Admixed American, 0.0033%; no homozygotes.

Submissions (3):

PreventionGenetics, part of Exact Sciences
Classification: Uncertain significance for BBS2-related condition. Last evaluated: 2026-05-04. Review status: criteria provided, single submitter. Criteria: ACMG Guidelines, 2015. Collection method: clinical testing. Allele origin: germline.
Comment: The BBS2 c.2095C>T variant is predicted to result in the amino acid substitution p.Arg699Trp. To our knowledge, this variant has not been reported in the literature. This variant is reported in 0.0033% of alleles in individuals of South Asian descent in gnomAD. At this time, the clinical significance of this variant is uncertain due to the absence of conclusive functional and genetic evidence.

Labcorp Genetics (formerly Invitae), Labcorp
Classification: Uncertain significance for Bardet-Biedl syndrome. Last evaluated: 2022-03-27. Review status: criteria provided, single submitter. Criteria: Invitae Variant Classification Sherloc (09022015). Collection method: clinical testing. Allele origin: germline.
Comment: This sequence change replaces arginine, which is basic and polar, with tryptophan, which is neutral and slightly polar, at codon 699 of the BBS2 protein (p.Arg699Trp). This variant is present in population databases (no rsID available, gnomAD 0.006%). This variant has not been reported in the literature in individuals affected with BBS2-related conditions. Algorithms developed to predict the effect of missense changes on protein structure and function are either unavailable or do not agree on the potential impact of this missense change (SIFT: "Deleterious"; PolyPhen-2: "Probably Damaging"; Align-GVGD: "Class C0"). In summary, the available evidence is currently insufficient to determine the role of this variant in disease. Therefore, it has been classified as a Variant of Uncertain Significance.

Fulgent Genetics
Classification: Uncertain significance for Bardet-Biedl syndrome 2; Retinitis pigmentosa 74. Last evaluated: 2021-10-23. Review status: criteria provided, single submitter. Criteria: ACMG Guidelines, 2015. Collection method: clinical testing. Allele origin: unknown.